The following is an entry in ClinVar:

NM_016277.5(RAB23):c.398+6del

Gene: RAB23 (RAB23, member RAS oncogene family; minus strand). Cytogenetic location: 6p12.1.
Variant type: Deletion.
Coding change: c.398+6del on transcript NM_016277.5 (MANE Select); 6 bases into the intron after coding-DNA position 398, one base deleted (A; older notation c.398+6delA).
Molecular consequence: intron variant.
Genome position (GRCh38, 1-based): chr6:57,196,444, T deleted on the plus strand (A on the coding strand, the reverse complement: RAB23 is on the minus strand). VCF-style (leftmost placement, unchanged base first): chr6-57196443-AT-A. GRCh37 (hg19) VCF-style: chr6-57061241-AT-A.
Other names: c.398+6del (NM_183227.2, NM_001278666.2, NM_001278667.2 and 2 more transcripts); c.398+6delA (NM_183227.2).
Identifiers: ClinVar variation 3357168 (VCV003357168.2).

ClinVar aggregate classification (germline): Conflicting classifications of pathogenicity. Review status: no assertion criteria provided (0 of 4 stars). 2 submissions from 2 submitters: Uncertain significance (1); Likely benign (1). Last evaluated 2025-04-07.

Conditions:
RAB23-related disorder. Also called: RAB23-related condition.
RAB23-related Carpenter syndrome. Also called: ACPS II; Carpenter syndrome 1. Identifiers: Orphanet 65759, MedGen C4551510, MONDO:0008710, OMIM 201000.

Submissions (2):

Natera, Inc.
Classification: Uncertain significance for Carpenter syndrome 1. Last evaluated: 2025-04-07. Review status: no assertion criteria provided. Collection method: clinical testing. Allele origin: germline.

PreventionGenetics, part of Exact Sciences
Classification: Likely benign for RAB23-related condition. Last evaluated: 2022-08-16. Review status: no assertion criteria provided. Collection method: clinical testing. Allele origin: germline.
Comment: This variant is classified as likely benign based on ACMG/AMP sequence variant interpretation guidelines (Richards et al. 2015 PMID: 25741868, with internal and published modifications).